The following is an entry in ClinVar:

ClinVar aggregate classification (germline): Uncertain significance. Review status: criteria provided, multiple submitters, no conflicts (2 of 4 stars). 8 submissions from 5 submitters: Uncertain significance (8). Last evaluated 2026-01-16.

Conditions:
Malignant hyperthermia, susceptibility to, 5 (MHS5). Also called: CACNA1S-Related Malignant Hyperthermia Susceptibility. Identifiers: Orphanet 423, MedGen C1866077, MONDO:0011163, OMIM 601887.
Thyrotoxic periodic paralysis, susceptibility to, 1 (TTPP1). Identifiers: Orphanet 79102, MedGen C2749982, MONDO:0008570, OMIM 188580.
Hypokalemic periodic paralysis, type 1. Also called: Hypokalemic Periodic Paralysis Type 1 (AD); HypoPP. Identifiers: Orphanet 681, MedGen C3714580, MONDO:0042979, OMIM 170400.
Inborn genetic diseases. Identifiers: MedGen C0950123, MeSH D030342.
Congenital myopathy 18. Also called: Myopathy, congenital, due to dihydropyridine receptor defect; DIHYDROPYRIDINE RECEPTOR CONGENITAL MYOPATHY; DHPR CONGENITAL MYOPATHY. Identifiers: MedGen C5830283, MONDO:0859514, OMIM 620246.

Allele frequency attached by ClinVar (database versions not stated): gnomAD exomes below 0.00001 and 0.00001; gnomAD 0.00001; TOPMed 0.00002.
gnomAD v4.1: 9 of 1,608,980 alleles (0.00056%); highest among the groups gnomAD compares: East Asian, 0.0067%; no homozygotes.

Submissions (8):

Labcorp Genetics (formerly Invitae), Labcorp
Classification: Uncertain significance for Hypokalemic periodic paralysis, type 1; Malignant hyperthermia, susceptibility to, 5. Last evaluated: 2026-01-16. Review status: criteria provided, single submitter. Criteria: Invitae Variant Classification Sherloc (09022015). Collection method: clinical testing. Allele origin: germline.
Comment: This sequence change replaces tyrosine, which is neutral and polar, with cysteine, which is neutral and slightly polar, at codon 640 of the CACNA1S protein (p.Tyr640Cys). This variant is present in population databases (no rsID available, gnomAD 0.0009%). This variant has not been reported in the literature in individuals affected with CACNA1S-related conditions. ClinVar contains an entry for this variant (Variation ID: 862084). Invitae Evidence Modeling of protein sequence and biophysical properties (such as structural, functional, and spatial information, amino acid conservation, physicochemical variation, residue mobility, and thermodynamic stability) has been performed for this missense variant. However, the output from this modeling did not meet the statistical confidence thresholds required to predict the impact of this variant on CACNA1S protein function. In summary, the available evidence is currently insufficient to determine the role of this variant in disease. Therefore, it has been classified as a Variant of Uncertain Significance.

Color Diagnostics, LLC DBA Color Health
Classification: Uncertain significance for Malignant hyperthermia, susceptibility to, 5. Last evaluated: 2025-06-24. Review status: criteria provided, single submitter. Criteria: ACMG Guidelines, 2015. Collection method: clinical testing. Allele origin: germline.
Comment: This missense variant replaces tyrosine with cysteine at codon 640 of the CACNA1S protein. Computational prediction suggests that this variant may have deleterious impact on protein structure and function. To our knowledge, functional studies have not been reported for this variant. This variant has not been reported in individuals affected with CACNA1S-related disorders in the literature. This variant has been identified in 2/251484 chromosomes in the general population by the Genome Aggregation Database (gnomAD). The available evidence is insufficient to determine the role of this variant in disease conclusively. Therefore, this variant is classified as a Variant of Uncertain Significance.

Ambry Genetics
Classification: Uncertain significance for Inborn genetic diseases. Last evaluated: 2025-01-29. Review status: criteria provided, single submitter. Criteria: Ambry Variant Classification Scheme 2023. Collection method: clinical testing. Allele origin: germline.

Genome-Nilou Lab
Classification: Uncertain significance for Malignant hyperthermia, susceptibility to, 5. Last evaluated: 2023-04-11. Review status: criteria provided, single submitter. Criteria: ACMG Guidelines, 2015. Collection method: clinical testing. Allele origin: germline. Affected: no.

Genome-Nilou Lab
Classification: Uncertain significance for Thyrotoxic periodic paralysis, susceptibility to, 1. Last evaluated: 2023-04-11. Review status: criteria provided, single submitter. Criteria: ACMG Guidelines, 2015. Collection method: clinical testing. Allele origin: germline. Affected: no.

Genome-Nilou Lab
Classification: Uncertain significance for Congenital myopathy 18. Last evaluated: 2023-04-11. Review status: criteria provided, single submitter. Criteria: ACMG Guidelines, 2015. Collection method: clinical testing. Allele origin: germline. Affected: no.

Genome-Nilou Lab
Classification: Uncertain significance for Hypokalemic periodic paralysis, type 1. Last evaluated: 2023-04-11. Review status: criteria provided, single submitter. Criteria: ACMG Guidelines, 2015. Collection method: clinical testing. Allele origin: germline. Affected: no.

Fulgent Genetics
Classification: Uncertain significance for Hypokalemic periodic paralysis, type 1; Thyrotoxic periodic paralysis, susceptibility to, 1; Malignant hyperthermia, susceptibility to, 5. Last evaluated: 2022-02-12. Review status: criteria provided, single submitter. Criteria: ACMG Guidelines, 2015. Collection method: clinical testing. Allele origin: unknown.

NM_000069.3(CACNA1S):c.1919A>G (p.Tyr640Cys)

Gene: CACNA1S (calcium voltage-gated channel subunit alpha1 S; minus strand). Cytogenetic location: 1q32.1.
Variant type: single nucleotide variant.
Coding change: c.1919A>G on transcript NM_000069.3 (MANE Select); coding-DNA position 1919, A replaced by G.
Protein change: p.Tyr640Cys; replaces tyrosine 640 with cysteine.
Molecular consequence: missense variant.
Genome position (GRCh38, 1-based): chr1:201,075,524, T>C on the plus strand (A>G on the coding strand, the complement: CACNA1S is on the minus strand). VCF-style: chr1-201075524-T-C. GRCh37 (hg19) VCF-style: chr1-201044652-T-C.
Other names: short protein forms Y640C.
Identifiers: ClinVar variation 862084 (VCV000862084.14), dbSNP rs1347247620, ClinGen allele CA344116686.